The following is an entry in ClinVar:

NM_003000.3(SDHB):c.416T>C (p.Leu139Pro)

Gene: SDHB (succinate dehydrogenase complex iron sulfur subunit B; minus strand). Cytogenetic location: 1p36.13.
Variant type: single nucleotide variant.
Coding change: c.416T>C on transcript NM_003000.3 (MANE Select); coding-DNA position 416, T replaced by C.
Protein change: p.Leu139Pro; replaces leucine 139 with proline.
Molecular consequence: missense variant. On other transcripts: intron variant (1).
Genome position (GRCh38, 1-based): chr1:17,028,607, A>G on the plus strand (T>C on the coding strand, the complement: SDHB is on the minus strand). VCF-style: chr1-17028607-A-G. GRCh37 (hg19) VCF-style: chr1-17355102-A-G.
Other names: c.369+47T>C (NM_001407361.1); short protein forms L139P.
Identifiers: ClinVar variation 3256401 (VCV003256401.5).
Genomic context (GRCh38, chr1:17,028,607, plus strand): 5'-AGCACTGCCCCCCATGCAAATAAAAACAAAACCAGAGAGATGCAGAAACTCACGGGAACA[A>G]GATCCTTTATCACATACATGTGTGGAAGAGGGTAGATTTTTGAGACCTTATTGAGGTTGG-3'
Protein context (NP_002991.2, residues 129-149): PLPHMYVIKD[Leu139Pro]VPDLSNFYAQ

ClinVar aggregate classification (germline): Likely pathogenic. Review status: criteria provided, multiple submitters, no conflicts (2 of 4 stars). 2 submissions from 2 submitters: Likely pathogenic (2). Last evaluated 2025-12-29.

Conditions:
Hereditary pheochromocytoma and paraganglioma. Also called: Hereditary paragangliomas and pheochromocytomas; Hereditary Paraganglioma-Pheochromocytoma Syndromes; Hereditary pheochromocytoma-paraganglioma. Identifiers: Orphanet 29072, MedGen C4274332, MONDO:0017366.

Submissions (2):

Center for Genomic Medicine, Rigshospitalet, Copenhagen University Hospital
Classification: Likely pathogenic. Last evaluated: 2025-12-29. Review status: criteria provided, single submitter. Criteria: ACMG Guidelines, 2015. Collection method: clinical testing. Allele origin: germline.

Department of Clinical Genetics, Copenhagen University Hospital, Rigshospitalet
Classification: Likely pathogenic for Hereditary pheochromocytoma and paraganglioma. Last evaluated: 2025-01-24. Review status: criteria provided, single submitter. Criteria: ACMG Guidelines, 2015. Collection method: clinical testing. Allele origin: germline.
Comment: The following ACMG criteria have been used in classification: PM2_SUP; PP3; PP4_Strong

Literature cited by the submitters: PubMed 27279923 (cited by Center for Genomic Medicine, Rigshospitalet, Copenhagen University Hospital and Department of Clinical Genetics, Copenhagen University Hospital, Rigshospitalet); PubMed 32688340 (cited by Center for Genomic Medicine, Rigshospitalet, Copenhagen University Hospital); PubMed 34906457 (cited by Center for Genomic Medicine, Rigshospitalet, Copenhagen University Hospital and Department of Clinical Genetics, Copenhagen University Hospital, Rigshospitalet).